The following is an entry in ClinVar:

GRCh37/hg19 21q22.2-22.3(chr21:42046399-45109188)x1

Genes: SIK1 (salt inducible kinase 1; minus strand), SLC37A1 (solute carrier family 37 member 1; plus strand), U2AF1 (U2 small nuclear RNA auxiliary factor 1; minus strand), UBASH3A (ubiquitin associated and SH3 domain containing A; plus strand), TMPRSS2 (transmembrane serine protease 2; minus strand) and 25 more. Cytogenetic location: 21q22.2-22.3.
Variant type: copy number loss.
Change: copy number 1 (one copy instead of two) of chr21:42,046,399-45,109,188 (3.06 Mb, GRCh37 coordinates, 1-based), cytogenetic band 21q22.2-22.3.
Identifiers: ClinVar variation 1807697 (VCV001807697.1).

ClinVar aggregate classification (germline): Pathogenic (1 of 4 stars; one submission).

Submission:

Quest Diagnostics Nichols Institute San Juan Capistrano
Classification: Pathogenic. Last evaluated: 2021-06-14. Review status: criteria provided, single submitter. Criteria: ACMG/ClinGen CNV Guidelines, 2019. Collection method: clinical testing. Allele origin: unknown.
Comment: The copy number loss of 21q22.2q22.3 involves several protein-coding genes, including the first three exons of the 5' portion of DSCAM (OMIM 602523) and is expected to contribute to developmental and/or phenotypic abnormalities based on gene content and size. Haploinsufficiency of DSCAM is a risk factor for autism (Wang et al., Nat Commun. 2016 Nov 8;7:13316., PMID: 27824329; Turner et al., Am J Hum Genet. 2016 Jan 7;98(1):58-74., PMID: 26749308; C Yuen et al., Nat Neurosci. 2017 Apr;20(4):602-611., PMID: 28263302). Larger overlapping deletions of this region have been reported in patients with intellectual disability/developmental delays, dysmorphic features, and other clinical issues (Sgardioli et al., Congenit Anom (Kyoto). 2018 Sep;58(5):178-180., PMID: 29322562; Valetto et al., Eur J Med Genet. 2012 May;55(5):362-6., PMID: 22548977; Roberson, et al., Eur J Hum Genet. 2011 Feb;19(2):235-8. PMID: 20823914). Additionally, there are multiple genes within this interval associated with autosomal recessive disorders.